The following is an entry in ClinVar:

NM_000135.4(FANCA):c.3893G>C (p.Arg1298Thr)

Genes: FANCA (FA complementation group A; minus strand), ZNF276 (zinc finger protein 276; plus strand). Cytogenetic location: 16q24.3.
Variant type: single nucleotide variant.
Coding change: c.3893G>C on transcript NM_000135.4 (MANE Select); coding-DNA position 3893, G replaced by C.
Protein change: p.Arg1298Thr; replaces arginine 1298 with threonine.
Molecular consequence: missense variant. On other transcripts: 3 prime UTR variant (2), non-coding transcript variant (4).
Genome position (GRCh38, 1-based): chr16:89,740,035, C>G on the plus strand (G>C on the coding strand, the complement: FANCA is on the minus strand). VCF-style: chr16-89740035-C-G. GRCh37 (hg19) VCF-style: chr16-89806443-C-G.
Other names: c.3893G>C, p.Arg1298Thr (NM_001286167.3); c.*1789C>G (NM_001113525.2, NM_152287.4); short protein forms R1298T.
Identifiers: ClinVar variation 1478140 (VCV001478140.12), dbSNP rs1261384324, ClinGen allele CA397484980.

ClinVar aggregate classification (germline): Uncertain significance. Review status: criteria provided, multiple submitters, no conflicts (2 of 4 stars). 5 submissions from 5 submitters: Uncertain significance (5). Last evaluated 2026-08-06.

Conditions:
Inborn genetic diseases. Identifiers: MedGen C0950123, MeSH D030342.
Monogenic short statue.
Fanconi anemia complementation group A (FANCA). Also called: FANCA-Related Fanconi Anemia; Fanconi anemia, group A. Identifiers: Orphanet 84, MedGen C3469521, MONDO:0009215, OMIM 227650.
Fanconi anemia (FA). Also called: Fanconi's anemia. Identifiers: Orphanet 84, MedGen C0015625, MeSH D005199, MONDO:0019391.

Allele frequency attached by ClinVar (database versions not stated): TOPMed below 0.00001; gnomAD 0.00001; gnomAD exomes 0.00001.
gnomAD v4.1: 9 of 1,614,094 alleles (0.00056%); highest among the groups gnomAD compares: Non-Finnish European, 0.00076%; no homozygotes.

Submissions (5):

NHS Central & South Genomic Laboratory Hub
Classification: Uncertain significance for Monogenic short statue. Last evaluated: 2026-08-06. Review status: criteria provided, single submitter. Criteria: ACMG Guidelines, 2015. Collection method: clinical testing. Allele origin: germline. Affected: yes.

Ambry Genetics
Classification: Uncertain significance for Inborn genetic diseases. Last evaluated: 2024-11-24. Review status: criteria provided, single submitter. Criteria: Ambry Variant Classification Scheme 2023. Collection method: clinical testing. Allele origin: germline.
Comment: The p.R1298T variant (also known as c.3893G>C), located in coding exon 39 of the FANCA gene, results from a G to C substitution at nucleotide position 3893. The arginine at codon 1298 is replaced by threonine, an amino acid with similar properties. This amino acid position is conserved. In addition, the in silico prediction for this alteration is inconclusive. Based on the available evidence, the clinical significance of this variant remains unclear.

Labcorp Genetics (formerly Invitae), Labcorp
Classification: Uncertain significance for Fanconi anemia. Last evaluated: 2024-10-24. Review status: criteria provided, single submitter. Criteria: Invitae Variant Classification Sherloc (09022015). Collection method: clinical testing. Allele origin: germline.
Comment: This sequence change replaces arginine, which is basic and polar, with threonine, which is neutral and polar, at codon 1298 of the FANCA protein (p.Arg1298Thr). This variant is present in population databases (no rsID available, gnomAD 0.003%). This variant has not been reported in the literature in individuals affected with FANCA-related conditions. ClinVar contains an entry for this variant (Variation ID: 1478140). Invitae Evidence Modeling of protein sequence and biophysical properties (such as structural, functional, and spatial information, amino acid conservation, physicochemical variation, residue mobility, and thermodynamic stability) has been performed for this missense variant. However, the output from this modeling did not meet the statistical confidence thresholds required to predict the impact of this variant on FANCA protein function. In summary, the available evidence is currently insufficient to determine the role of this variant in disease. Therefore, it has been classified as a Variant of Uncertain Significance.

Victorian Clinical Genetics Services, Murdoch Childrens Research Institute
Classification: Uncertain significance for Fanconi anemia complementation group A. Last evaluated: 2024-09-20. Review status: criteria provided, single submitter. Criteria: ACMG Guidelines, 2015. Collection method: clinical testing. Allele origin: germline. Inheritance: Autosomal recessive inheritance. Affected: yes.
Comment: Based on the classification scheme VCGS_Germline_v1.3.4, this variant is classified as VUS-3B. Following criteria are met: 0102 - Loss of function is a known mechanism of disease in this gene and is associated with Fanconi anaemia, complementation group A (MIM#227650). (I) 0106 - This gene is associated with autosomal recessive disease. (I) 0200 - Variant is predicted to result in a missense amino acid change from arginine to threonine. (I) 0251 - This variant is heterozygous. (I) 0304 - Variant is present in gnomAD (v2) <0.01 for a recessive condition (3 heterozygotes, 0 homozygotes, 0 hemizygotes). (SP) 0502 - Missense variant with damaging in silico predictions and uninformative conservation. (I) 0600 - Variant is located in the annotated Fanconi_A family domain (DECIPHER). (I) 0705 - No comparable missense variants have previous evidence for pathogenicity. (I) 0809 - Previous evidence of pathogenicity for this variant is inconclusive. This variant has been classified once as a VUS by one clinical diagnostic laboratory (ClinVar). (I) 0905 - No published segregation evidence has been identified for this variant. (I) 1007 - No published functional evidence has been identified for this variant. (I) 1208 - Inheritance information for this variant is not currently available in this individual. (I) Legend: (SP) - Supporting pathogenic, (I) - Information, (SB) - Supporting benign

Fulgent Genetics
Classification: Uncertain significance for Fanconi anemia complementation group A. Last evaluated: 2024-01-20. Review status: criteria provided, single submitter. Criteria: ACMG Guidelines, 2015. Collection method: clinical testing. Allele origin: germline.